The following is an entry in ClinVar:

ClinVar aggregate classification (germline): Uncertain significance (1 of 4 stars; one submission).

Conditions:
Epileptic encephalopathy. Identifiers: MedGen C0543888, HP:0200134.

Allele frequency attached by ClinVar (database versions not stated): ESP Exome Variant Server 0.00024; 1000 Genomes Project 0.00100; TOPMed 0.00019; gnomAD exomes 0.00003 and 0.00006; 1000 Genomes Project 30x 0.00078; ExAC 0.00009; gnomAD 0.00023 and 0.00021.
gnomAD v4.1: 91 of 1,612,656 alleles (0.0056%); highest among the groups gnomAD compares: African/African-American, 0.099%; 2 homozygotes.

Submission:

Labcorp Genetics (formerly Invitae), Labcorp
Classification: Uncertain significance for Epileptic encephalopathy. Last evaluated: 2024-10-22. Review status: criteria provided, single submitter. Criteria: Invitae Variant Classification Sherloc (09022015). Collection method: clinical testing. Allele origin: germline.
Comment: This sequence change replaces isoleucine, which is neutral and non-polar, with methionine, which is neutral and non-polar, at codon 4540 of the RYR3 protein (p.Ile4540Met). This variant is present in population databases (rs139023249, gnomAD 0.1%), and has an allele count higher than expected for a pathogenic variant. This variant has not been reported in the literature in individuals affected with RYR3-related conditions. ClinVar contains an entry for this variant (Variation ID: 577320). Invitae Evidence Modeling of protein sequence and biophysical properties (such as structural, functional, and spatial information, amino acid conservation, physicochemical variation, residue mobility, and thermodynamic stability) indicates that this missense variant is not expected to disrupt RYR3 protein function with a negative predictive value of 80%. In summary, the available evidence is currently insufficient to determine the role of this variant in disease. Therefore, it has been classified as a Variant of Uncertain Significance.

NM_001036.6(RYR3):c.13620C>G (p.Ile4540Met)

Gene: RYR3 (ryanodine receptor 3; plus strand). Cytogenetic location: 15q14.
Variant type: single nucleotide variant.
Coding change: c.13620C>G on transcript NM_001036.6 (MANE Select); coding-DNA position 13620, C replaced by G.
Protein change: p.Ile4540Met; replaces isoleucine 4540 with methionine.
Molecular consequence: missense variant.
Genome position (GRCh38, 1-based): chr15:33,848,413, C>G. VCF-style: chr15-33848413-C-G. GRCh37 (hg19) VCF-style: chr15-34140614-C-G.
Other names: c.13605C>G, p.Ile4535Met (NM_001243996.4); short protein forms I4540M, I4535M.
Identifiers: ClinVar variation 577320 (VCV000577320.10), dbSNP rs139023249, ClinGen allele CA7461679.